The following is an entry in ClinVar:

NM_012243.3(SLC35A3):c.194G>T (p.Ser65Ile)

Gene: SLC35A3 (solute carrier family 35 member A3; plus strand). Cytogenetic location: 1p21.2.
Variant type: single nucleotide variant.
Coding change: c.194G>T on transcript NM_012243.3 (MANE Select); coding-DNA position 194, G replaced by T.
Protein change: p.Ser65Ile; replaces serine 65 with isoleucine.
Molecular consequence: missense variant.
Genome position (GRCh38, 1-based): chr1:99,999,267, G>T. VCF-style: chr1-99999267-G-T. GRCh37 (hg19) VCF-style: chr1-100464823-G-T.
Other names: p.Ser65Ile; c.194G>T, p.Ser65Ile (NM_001271684.2); c.320G>T, p.Ser107Ile (NM_001271685.2); c.194G>T (NM_012243.1); short protein forms S65I, S107I.
Identifiers: ClinVar variation 1436372 (VCV001436372.7), dbSNP rs1658606953, ClinGen allele CA341325835.
Genomic context (GRCh38, chr1:99,999,267, plus strand): 5'-ATGTAACTTATTCAGAGTTACTTAATTACTGATTTTTCTCATATTATTTTCTAGAATGTA[G>T]TCTAAGAGCACTGAATCGAGTACTACATGATGAAATTCTTAATAAACCTATGGAAACACT-3'
Protein context (NP_036375.1, residues 55-75): ILLVYKDSKC[Ser65Ile]LRALNRVLHD

ClinVar aggregate classification (germline): Uncertain significance. Review status: criteria provided, multiple submitters, no conflicts (2 of 4 stars). 3 submissions from 3 submitters: Uncertain significance (3). Last evaluated 2025-03-22.

Conditions:
Inborn genetic diseases. Identifiers: MedGen C0950123, MeSH D030342.
Autism spectrum disorder - epilepsy - arthrogryposis syndrome (AMRS). Identifiers: Orphanet 370943, MedGen C3809910, MONDO:0014248, OMIM 615553.

Allele frequency attached by ClinVar (database versions not stated): TOPMed below 0.00001.

Submissions (3):

Ambry Genetics
Classification: Uncertain significance for Inborn genetic diseases. Last evaluated: 2025-03-22. Review status: criteria provided, single submitter. Criteria: Ambry Variant Classification Scheme 2023. Collection method: clinical testing. Allele origin: germline.

Mayo Clinic Laboratories, Mayo Clinic
Classification: Uncertain significance. Last evaluated: 2023-05-04. Review status: criteria provided, single submitter. Criteria: ACMG Guidelines, 2015. Collection method: clinical testing. Allele origin: germline. Observed: 1 variant allele.
Comment: PM2

Labcorp Genetics (formerly Invitae), Labcorp
Classification: Uncertain significance for Autism spectrum disorder - epilepsy - arthrogryposis syndrome. Last evaluated: 2021-08-27. Review status: criteria provided, single submitter. Criteria: Invitae Variant Classification Sherloc (09022015). Collection method: clinical testing. Allele origin: germline.
Comment: This sequence change replaces serine with isoleucine at codon 65 of the SLC35A3 protein (p.Ser65Ile). The serine residue is moderately conserved and there is a large physicochemical difference between serine and isoleucine. This variant is not present in population databases (ExAC no frequency). This variant has not been reported in the literature in individuals affected with SLC35A3-related conditions. Algorithms developed to predict the effect of missense changes on protein structure and function are either unavailable or do not agree on the potential impact of this missense change (SIFT: "Deleterious"; PolyPhen-2: "Benign"; Align-GVGD: "Class C0"). In summary, the available evidence is currently insufficient to determine the role of this variant in disease. Therefore, it has been classified as a Variant of Uncertain Significance.